The following is an entry in ClinVar:

ClinVar aggregate classification (germline): Uncertain significance (0 of 4 stars; one submission).

Conditions:
Prostate cancer. Also called: Malignant tumor of prostate. Identifiers: Orphanet 1331, MedGen C0376358, MONDO:0008315, HP:0012125.

Allele frequency attached by ClinVar (database versions not stated): gnomAD exomes 0.00001; TOPMed 0.00001; ExAC 0.00001; gnomAD 0.00005 and 0.00006.
gnomAD v4.1: 20 of 1,614,116 alleles (0.0012%); highest among the groups gnomAD compares: Admixed American, 0.017%; no homozygotes.

Submission:

Science for Life laboratory,  Karolinska Institutet
Classification: Uncertain significance for Malignant tumor of prostate. Review status: no assertion criteria provided. Collection method: not provided. Allele origin: somatic.
Comment: TumorID:SWE-4
ClinVar note: Converted during submission from Unknown to Uncertain significance.

NM_001010903.5(BNIP5):c.1447C>T (p.Arg483Trp)

Gene: BNIP5 (BCL2 interacting protein 5; minus strand). Cytogenetic location: 6p21.31.
Variant type: single nucleotide variant.
Coding change: c.1447C>T on transcript NM_001010903.5 (MANE Select); coding-DNA position 1447, C replaced by T.
Protein change: p.Arg483Trp; replaces arginine 483 with tryptophan.
Molecular consequence: missense variant.
Genome position (GRCh38, 1-based): chr6:36,323,317, G>A on the plus strand (C>T on the coding strand, the complement: BNIP5 is on the minus strand). VCF-style: chr6-36323317-G-A. GRCh37 (hg19) VCF-style: chr6-36291094-G-A.
Other names: short protein forms R483W.
Identifiers: ClinVar variation 161491 (VCV000161491.2), dbSNP rs193920980, ClinGen allele CA174130.